The following is an entry in ClinVar:

NM_000466.3(PEX1):c.217G>A (p.Val73Met)

Gene: PEX1 (peroxisomal biogenesis factor 1; minus strand). Cytogenetic location: 7q21.2.
Variant type: single nucleotide variant.
Coding change: c.217G>A on transcript NM_000466.3 (MANE Select); coding-DNA position 217, G replaced by A.
Protein change: p.Val73Met; replaces valine 73 with methionine.
Molecular consequence: missense variant. On other transcripts: 5 prime UTR variant (1).
Genome position (GRCh38, 1-based): chr7:92,522,158, C>T on the plus strand (G>A on the coding strand, the complement: PEX1 is on the minus strand). VCF-style: chr7-92522158-C-T. GRCh37 (hg19) VCF-style: chr7-92151472-C-T.
Other names: c.217G>A, p.Val73Met (NM_001282677.2); c.-443G>A (NM_001282678.2); short protein forms V73M.
Identifiers: ClinVar variation 2098538 (VCV002098538.4), dbSNP rs767929776, ClinGen allele CA4341668.

ClinVar aggregate classification (germline): Uncertain significance (1 of 4 stars; one submission).

Conditions:
Zellweger spectrum disorders (ZS). Also called: Zellweger syndrome; Zellweger Spectrum Disorder; Zellweger Spectrum; Zellweger Spectrum Disorder (ZSD). Identifiers: Orphanet 912, MedGen C0043459, MONDO:0019609.

Allele frequency attached by ClinVar (database versions not stated): ExAC 0.00001; gnomAD exomes 0.00001.

Submission:

Labcorp Genetics (formerly Invitae), Labcorp
Classification: Uncertain significance for Zellweger spectrum disorders. Last evaluated: 2023-12-11. Review status: criteria provided, single submitter. Criteria: Invitae Variant Classification Sherloc (09022015). Collection method: clinical testing. Allele origin: germline.
Comment: This sequence change replaces valine, which is neutral and non-polar, with methionine, which is neutral and non-polar, at codon 73 of the PEX1 protein (p.Val73Met). This variant is present in population databases (rs767929776, gnomAD 0.01%). This variant has not been reported in the literature in individuals affected with PEX1-related conditions. ClinVar contains an entry for this variant (Variation ID: 2098538). Advanced modeling of protein sequence and biophysical properties (such as structural, functional, and spatial information, amino acid conservation, physicochemical variation, residue mobility, and thermodynamic stability) performed at Invitae indicates that this missense variant is not expected to disrupt PEX1 protein function with a negative predictive value of 80%. In summary, the available evidence is currently insufficient to determine the role of this variant in disease. Therefore, it has been classified as a Variant of Uncertain Significance.